The following is an entry in ClinVar:

NM_001128178.3(NPHP1):c.1158+1G>A

Genes: NPHP1 (nephrocystin 1; minus strand), LOC126806306 (P300/CBP strongly-dependent group 1 enhancer GRCh37_chr2:110906815-110908014; plus strand). Cytogenetic location: 2q13.
Variant type: single nucleotide variant.
Coding change: c.1158+1G>A on transcript NM_001128178.3 (MANE Select); the canonical splice donor site of the intron after coding-DNA position 1158, G replaced by A.
Molecular consequence: splice donor variant.
Genome position (GRCh38, 1-based): chr2:110,150,181, C>T on the plus strand (G>A on the coding strand, the complement: NPHP1 is on the minus strand). VCF-style: chr2-110150181-C-T. GRCh37 (hg19) VCF-style: chr2-110907758-C-T.
Other names: c.969+1G>A (NM_001128179.3); c.1155+1G>A (NM_001374256.1); c.1158+1G>A (NM_001374257.1); c.1323+1G>A (NM_207181.4); c.1326+1G>A (NM_000272.5).
Identifiers: ClinVar variation 2091030 (VCV002091030.4), dbSNP rs2467272833, ClinGen allele CA348088032.

ClinVar aggregate classification (germline): Likely pathogenic (1 of 4 stars; one submission).

Conditions:
Nephronophthisis. Also called: Juvenile Nephronophthisis. Identifiers: Orphanet 655, MedGen C0687120, MONDO:0019005, HP:0000090.

Submission:

Labcorp Genetics (formerly Invitae), Labcorp
Classification: Likely pathogenic for Nephronophthisis. Last evaluated: 2024-06-03. Review status: criteria provided, single submitter. Criteria: Invitae Variant Classification Sherloc (09022015). Collection method: clinical testing. Allele origin: germline.
Comment: This sequence change affects a donor splice site in intron 12 of the NPHP1 gene. It is expected to disrupt RNA splicing. Variants that disrupt the donor or acceptor splice site typically lead to a loss of protein function (PMID: 16199547), and loss-of-function variants in NPHP1 are known to be pathogenic (PMID: 23559409). This variant is not present in population databases (gnomAD no frequency). Disruption of this splice site has been observed in individual(s) with clinical features of NPHP1 related conditions (PMID: 36090483). ClinVar contains an entry for this variant (Variation ID: 2091030). Algorithms developed to predict the effect of sequence changes on RNA splicing suggest that this variant may disrupt the consensus splice site. In summary, the currently available evidence indicates that the variant is pathogenic, but additional data are needed to prove that conclusively. Therefore, this variant has been classified as Likely Pathogenic.

Literature cited by the submitters: PubMed 16199547; PubMed 23559409; PubMed 36090483.